The following is an entry in ClinVar:

NM_001354604.2(MITF):c.1361C>T (p.Thr454Ile)

Gene: MITF (melanocyte inducing transcription factor; plus strand). Cytogenetic location: 3p13.
Variant type: single nucleotide variant.
Coding change: c.1361C>T on transcript NM_001354604.2 (MANE Select); coding-DNA position 1361, C replaced by T.
Protein change: p.Thr454Ile; replaces threonine 454 with isoleucine.
Molecular consequence: missense variant.
Genome position (GRCh38, 1-based): chr3:69,965,028, C>T. VCF-style: chr3-69965028-C-T. GRCh37 (hg19) VCF-style: chr3-70014179-C-T.
Other names: c.1040C>T, p.Thr347Ile (NM_000248.4); c.1187C>T, p.Thr396Ile (NM_001184967.2, NM_001354608.2); c.1358C>T, p.Thr453Ile (NM_001354605.2); c.1340C>T, p.Thr447Ile (NM_001354606.2, NM_006722.3); c.1292C>T, p.Thr431Ile (NM_001354607.2); c.1022C>T, p.Thr341Ile (NM_198158.3); c.1343C>T, p.Thr448Ile (NM_198159.3); c.1295C>T, p.Thr432Ile (NM_198177.3); and 1 more; short protein forms T285I, T341I, T347I, T396I, T431I, T432I, T447I, T448I.
Identifiers: ClinVar variation 1692270 (VCV001692270.1), dbSNP rs2107552520, ClinGen allele CA353559686.
Genomic context (GRCh38, chr3:69,965,028, plus strand): 5'-ACCTCCTTCAGCATCATGCAGACCTAACCTGTACAACAACTCTCGATCTCACGGATGGCA[C>T]CATCACCTTCAACAACAACCTCGGAACTGGGACTGAGGCCAACCAAGCCTATAGTGTCCC-3'
Protein context (NP_001341533.1, residues 444-464): CTTTLDLTDG[Thr454Ile]ITFNNNLGTG

ClinVar aggregate classification (germline): Uncertain significance (1 of 4 stars; one submission).

Conditions:
Hereditary cancer-predisposing syndrome. Also called: Hereditary Cancer Syndrome; Hereditary neoplastic syndrome; Neoplastic Syndromes, Hereditary; Tumor predisposition. Identifiers: Orphanet 140162, MedGen C0027672, MeSH D009386, MONDO:0015356.

Submission:

Sema4
Classification: Uncertain significance for Hereditary cancer-predisposing syndrome. Last evaluated: 2021-07-14. Review status: criteria provided, single submitter. Criteria: Sema4 Curation Guidelines. Collection method: curation. Allele origin: germline.
Comment: The MITF c.1040C>T (p.T347I) variant has not been reported in the literature to our knowledge. It was not observed in the large and broad cohorts of the Genome Aggregation Database (PMID: 32461654), nor has it been reported in ClinVar. Functional studies have not been performed and in silico tool predictions of the variants effect on protein function are inconclusive. The evidence is insufficient to meet ACMG/AMP criteria for classifying the variant as benign or pathogenic. Thus, the clinical significance of this variant is currently uncertain.